The following is an entry in ClinVar:

ClinVar aggregate classification (germline): Uncertain significance (1 of 4 stars; one submission).

Conditions:
SEMA3F-related disorder. Also called: SEMA3F-related condition.

gnomAD v4.1: 20 of 1,612,638 alleles (0.0012%); highest among the groups gnomAD compares: Middle Eastern, 0.017%; no homozygotes.

Submission:

PreventionGenetics, part of Exact Sciences
Classification: Uncertain significance for SEMA3F-related condition. Last evaluated: 2025-08-11. Review status: criteria provided, single submitter. Criteria: ACMG Guidelines, 2015. Collection method: clinical testing. Allele origin: germline.
Comment: The SEMA3F c.434T>C variant is predicted to result in the amino acid substitution p.Val145Ala. To our knowledge, this variant has not been reported in the literature. This variant is reported in 0.016% of alleles in individuals of South Asian descent in gnomAD. At this time, the clinical significance of this variant is uncertain due to the absence of conclusive functional and genetic evidence.

NM_004186.5(SEMA3F):c.434T>C (p.Val145Ala)

Gene: SEMA3F (semaphorin 3F; plus strand). Cytogenetic location: 3p21.31.
Variant type: single nucleotide variant.
Coding change: c.434T>C on transcript NM_004186.5 (MANE Select); coding-DNA position 434, T replaced by C.
Protein change: p.Val145Ala; replaces valine 145 with alanine.
Molecular consequence: missense variant.
Genome position (GRCh38, 1-based): chr3:50,174,328, T>C. VCF-style: chr3-50174328-T-C. GRCh37 (hg19) VCF-style: chr3-50211761-T-C.
Other names: c.230T>C, p.Val77Ala (NM_001318798.2); c.434T>C, p.Val145Ala (NM_001318800.2); short protein forms V145A, V77A.
Identifiers: ClinVar variation 5002548 (VCV005002548.1).